The following is an entry in ClinVar:

ClinVar aggregate classification (germline): Uncertain significance (1 of 4 stars; one submission).

Submission:

Labcorp Genetics (formerly Invitae), Labcorp
Classification: Uncertain significance. Last evaluated: 2022-07-25. Review status: criteria provided, single submitter. Criteria: Invitae Variant Classification Sherloc (09022015). Collection method: clinical testing. Allele origin: germline.
Comment: Algorithms developed to predict the effect of missense changes on protein structure and function (SIFT, PolyPhen-2, Align-GVGD) all suggest that this variant is likely to be tolerated. In summary, the available evidence is currently insufficient to determine the role of this variant in disease. Therefore, it has been classified as a Variant of Uncertain Significance. ClinVar contains an entry for this variant (Variation ID: 1506303). This variant has not been reported in the literature in individuals affected with FRMD7-related conditions. This variant is not present in population databases (gnomAD no frequency). This sequence change replaces histidine, which is basic and polar, with leucine, which is neutral and non-polar, at codon 327 of the FRMD7 protein (p.His327Leu).

NM_194277.3(FRMD7):c.980A>T (p.His327Leu)

Gene: FRMD7 (FERM domain containing 7; minus strand). Cytogenetic location: Xq26.2.
Variant type: single nucleotide variant.
Coding change: c.980A>T on transcript NM_194277.3 (MANE Select); coding-DNA position 980, A replaced by T.
Protein change: p.His327Leu; replaces histidine 327 with leucine.
Molecular consequence: missense variant.
Genome position (GRCh38, 1-based): chrX:132,080,076, T>A on the plus strand (A>T on the coding strand, the complement: FRMD7 is on the minus strand). VCF-style: chrX-132080076-T-A. GRCh37 (hg19) VCF-style: chrX-131214104-T-A.
Other names: c.935A>T, p.His312Leu (NM_001306193.2); short protein forms H312L, H327L.
Identifiers: ClinVar variation 1506303 (VCV001506303.8), dbSNP rs2124212111, ClinGen allele CA414680113.
Genomic context (GRCh38, chrX:132,080,076, plus strand): 5'-ACATCAGAGAGGAGGTCTGGTGAGGACCTGCACTGTCGTTCATGGTACTGAGATGGGTAA[T>A]GTTTCCTGAAATCCCCAAGCAGAGAAGTCATTGAAATGACCTTCATGTGAATACCAGGAT-3'
Protein context (NP_919253.1, residues 317-337): RLKSLPFERK[His327Leu]YPSQYHERQC